The following is an entry in ClinVar:

ClinVar aggregate classification (germline): Uncertain significance (1 of 4 stars; one submission).

Conditions:
Cardiovascular phenotype. Identifiers: MedGen CN230736.

Submission:

Ambry Genetics
Classification: Uncertain significance for Cardiovascular phenotype. Last evaluated: 2025-05-14. Review status: criteria provided, single submitter. Criteria: Ambry Variant Classification Scheme 2023. Collection method: clinical testing. Allele origin: germline.
Comment: The p.N2151D variant (also known as c.6451A>G), located in coding exon 42 of the RYR2 gene, results from an A to G substitution at nucleotide position 6451. The asparagine at codon 2151 is replaced by aspartic acid, an amino acid with highly similar properties. This amino acid position is highly conserved in available vertebrate species. In addition, the in silico prediction for this alteration is inconclusive. Based on the available evidence, the clinical significance of this variant remains unclear.

NM_001035.3(RYR2):c.6451A>G (p.Asn2151Asp)

Gene: RYR2 (ryanodine receptor 2; plus strand). Cytogenetic location: 1q43.
Variant type: single nucleotide variant.
Coding change: c.6451A>G on transcript NM_001035.3 (MANE Select); coding-DNA position 6451, A replaced by G.
Protein change: p.Asn2151Asp; replaces asparagine 2151 with aspartic acid.
Molecular consequence: missense variant.
Genome position (GRCh38, 1-based): chr1:237,631,437, A>G. VCF-style: chr1-237631437-A-G. GRCh37 (hg19) VCF-style: chr1-237794737-A-G.
Other names: short protein forms N2151D.
Identifiers: ClinVar variation 3949064 (VCV003949064.1).
Genomic context (GRCh38, chr1:237,631,437, plus strand): 5'-ATTTAGATGTTGCTCTGAGCTTTACCCCATACGTCCATTGTCCTTTCTAGGGATATTATG[A>G]ATAACAAAGTGTTTTACCAGCACCCTAATCTCATGAGGGCACTGGGGATGCACGAGACTG-3'
Protein context (NP_001026.2, residues 2141-2161): LMIRGLGDIM[Asn2151Asp]NKVFYQHPNL